The following is an entry in ClinVar:

NM_004972.4(JAK2):c.226G>T (p.Gly76Cys)

Genes: INSL6 (insulin like 6; minus strand), JAK2 (Janus kinase 2; plus strand). Cytogenetic location: 9p24.1.
Variant type: single nucleotide variant.
Coding change: c.226G>T on transcript NM_004972.4 (MANE Select); coding-DNA position 226, G replaced by T.
Protein change: p.Gly76Cys; replaces glycine 76 with cysteine.
Molecular consequence: missense variant. On other transcripts: 5 prime UTR variant (2), non-coding transcript variant (2).
Genome position (GRCh38, 1-based): chr9:5,022,213, G>T. VCF-style: chr9-5022213-G-T. GRCh37 (hg19) VCF-style: chr9-5022213-G-T.
Other names: c.226G>T, p.Gly76Cys (NM_001322194.2, NM_001322195.2, NM_001322196.2); c.-895G>T (NM_001322198.2, NM_001322199.2); short protein forms G76C.
Identifiers: ClinVar variation 2875942 (VCV002875942.3), dbSNP rs1237113183, ClinGen allele CA372820280.

ClinVar aggregate classification (germline): Uncertain significance (1 of 4 stars; one submission).

Allele frequency attached by ClinVar (database versions not stated): gnomAD 0.00001; TOPMed below 0.00001.
gnomAD v4.1: 22 of 1,609,424 alleles (0.0014%); highest among the groups gnomAD compares: Non-Finnish European, 0.0015%; no homozygotes.

Submission:

Labcorp Genetics (formerly Invitae), Labcorp
Classification: Uncertain significance. Last evaluated: 2025-07-03. Review status: criteria provided, single submitter. Criteria: Invitae Variant Classification Sherloc (09022015). Collection method: clinical testing. Allele origin: germline.
Comment: This sequence change replaces glycine, which is neutral and non-polar, with cysteine, which is neutral and slightly polar, at codon 76 of the JAK2 protein (p.Gly76Cys). This variant also falls at the last nucleotide of exon 3, which is part of the consensus splice site for this exon. This variant is not present in population databases (gnomAD no frequency). This variant has not been reported in the literature in individuals affected with JAK2-related conditions. ClinVar contains an entry for this variant (Variation ID: 2875942). An algorithm developed to predict the effect of missense changes on protein structure and function (PolyPhen-2) suggests that this variant is likely to be tolerated. Variants that disrupt the consensus splice site are a relatively common cause of aberrant splicing (PMID: 17576681, 9536098). In summary, the available evidence is currently insufficient to determine the role of this variant in disease. Therefore, it has been classified as a Variant of Uncertain Significance.

Literature cited by the submitters: PubMed 17576681; PubMed 9536098.